The following is an entry in ClinVar:

NM_001022.4(RPS19):c.356+169CT[2]

Genes: RPS19 (ribosomal protein S19; plus strand), RPS19-CD79A (RPS19-CD79A readthrough; plus strand). Cytogenetic location: 19q13.2.
Variant type: Microsatellite.
Coding change: c.356+169CT[2] on transcript NM_001022.4 (MANE Select); two copies in a row of the 2-base unit CT starting at c.356+169; the reference has three copies in a row; one copy, 2 bases deleted.
Molecular consequence: intron variant.
Genome position (GRCh38, 1-based): chr19:41,869,387-41,869,388, CT deleted; deleting any 2 consecutive bases within chr19:41,869,383-41,869,388 gives the same sequence; the position shown is the placement nearest the transcript's 3' end. VCF-style (leftmost placement, unchanged base first): chr19-41869382-CCT-C. GRCh37 (hg19) VCF-style: chr19-42373452-CCT-C.
Other names: c.356+169CT[2] (NM_001321484.2, NM_001321483.2); c.369+169CT[2] (NM_001321485.2).
Identifiers: ClinVar variation 1636896 (VCV001636896.10), dbSNP rs369353222, ClinGen allele CA507576410.

ClinVar aggregate classification (germline): Benign. Review status: criteria provided, multiple submitters, no conflicts (2 of 4 stars). 3 submissions from 3 submitters: Benign (3). Last evaluated 2026-07-01.

Conditions:
Diamond-Blackfan anemia. Also called: Blackfan Diamond syndrome; Aregenerative anemia chronic congenital; Red cell aplasia, pure hereditary; Congenital hypoplastic anemia; Aase syndrome. Identifiers: Orphanet 124, MedGen C1260899, MeSH D029503, MONDO:0015253, HP:0004810.
Diamond-Blackfan anemia 1 (DBA1). Also called: RPS19-Related Diamond-Blackfan Anemia; BLACKFAN-DIAMOND SYNDROME; ANEMIA, CONGENITAL HYPOPLASTIC, OF BLACKFAN AND DIAMOND; ANEMIA, CONGENITAL ERYTHROID HYPOPLASTIC; RED CELL APLASIA, PURE, HEREDITARY; AREGENERATIVE ANEMIA, CHRONIC CONGENITAL. Identifiers: Orphanet 124, MedGen C2676137, MONDO:0007110, OMIM 105650.

Submissions (3):

CeGaT Center for Human Genetics Tuebingen
Classification: Benign. Last evaluated: 2026-07-01. Review status: criteria provided, single submitter. Criteria: CeGaT Center For Human Genetics Tuebingen Variant Classification Criteria Version 2. Collection method: clinical testing. Allele origin: germline. Affected: yes. Observed: 1 variant allele.
Comment: RPS19: BS1, BS2

ARUP Laboratories, Molecular Genetics and Genomics, ARUP Laboratories
Classification: Benign for Diamond-Blackfan anemia 1. Last evaluated: 2024-11-22. Review status: criteria provided, single submitter. Criteria: ARUP Molecular Germline Variant Investigation Process 2024. Collection method: clinical testing. Allele origin: germline.

Labcorp Genetics (formerly Invitae), Labcorp
Classification: Benign for Diamond-Blackfan anemia. Last evaluated: 2022-01-28. Review status: criteria provided, single submitter. Criteria: Invitae Variant Classification Sherloc (09022015). Collection method: clinical testing. Allele origin: germline.